The following is an entry in ClinVar:

NM_003000.3(SDHB):c.74C>G (p.Ala25Gly)

Gene: SDHB (succinate dehydrogenase complex iron sulfur subunit B; minus strand). Cytogenetic location: 1p36.13.
Variant type: single nucleotide variant.
Coding change: c.74C>G on transcript NM_003000.3 (MANE Select); coding-DNA position 74, C replaced by G.
Protein change: p.Ala25Gly; replaces alanine 25 with glycine.
Molecular consequence: missense variant.
Genome position (GRCh38, 1-based): chr1:17,044,887, G>C on the plus strand (C>G on the coding strand, the complement: SDHB is on the minus strand). VCF-style: chr1-17044887-G-C. GRCh37 (hg19) VCF-style: chr1-17371382-G-C.
Other names: c.74C>G, p.Ala25Gly (NM_001407361.1); short protein forms A25G.
Identifiers: ClinVar variation 4161250 (VCV004161250.1).

ClinVar aggregate classification (germline): Uncertain significance (1 of 4 stars; one submission).

Conditions:
Hereditary cancer-predisposing syndrome. Also called: Neoplastic Syndromes, Hereditary; Tumor predisposition; Hereditary Cancer Syndrome; Hereditary neoplastic syndrome. Identifiers: Orphanet 140162, MedGen C0027672, MeSH D009386, MONDO:0015356.

Submission:

Ambry Genetics
Classification: Uncertain significance for Hereditary cancer-predisposing syndrome. Last evaluated: 2025-08-09. Review status: criteria provided, single submitter. Criteria: Ambry Variant Classification Scheme 2023. Collection method: clinical testing. Allele origin: germline.
Comment: The p.A25G variant (also known as c.74C>G), located in coding exon 2 of the SDHB gene, results from a C to G substitution at nucleotide position 74. The alanine at codon 25 is replaced by glycine, an amino acid with similar properties. This amino acid position is conserved. In addition, the in silico prediction for this alteration is inconclusive. Based on the available evidence, the clinical significance of this variant remains unclear.